The following is an entry in ClinVar:

NM_014956.5(CEP164):c.557C>T (p.Ser186Leu)

Gene: CEP164 (centrosomal protein 164; plus strand). Cytogenetic location: 11q23.3.
Variant type: single nucleotide variant.
Coding change: c.557C>T on transcript NM_014956.5 (MANE Select); coding-DNA position 557, C replaced by T.
Protein change: p.Ser186Leu; replaces serine 186 with leucine.
Molecular consequence: missense variant.
Genome position (GRCh38, 1-based): chr11:117,362,408, C>T. VCF-style: chr11-117362408-C-T. GRCh37 (hg19) VCF-style: chr11-117233124-C-T.
Other names: c.557C>T, p.Ser186Leu (NM_001271933.2); short protein forms S186L.
Identifiers: ClinVar variation 963621 (VCV000963621.9), dbSNP rs1354068792, ClinGen allele CA382731487.

ClinVar aggregate classification (germline): Uncertain significance (1 of 4 stars; one submission).

Conditions:
Nephronophthisis 15 (NPHP15). Identifiers: Orphanet 3156, MedGen C3541853, MONDO:0013917, OMIM 614845.

Allele frequency attached by ClinVar (database versions not stated): gnomAD exomes below 0.00001; TOPMed 0.00001.
gnomAD v4.1: 4 of 1,612,140 alleles (0.00025%); highest among the groups gnomAD compares: East Asian, 0.0022%; no homozygotes.

Submission:

Labcorp Genetics (formerly Invitae), Labcorp
Classification: Uncertain significance for Nephronophthisis 15. Last evaluated: 2024-10-14. Review status: criteria provided, single submitter. Criteria: Invitae Variant Classification Sherloc (09022015). Collection method: clinical testing. Allele origin: germline.
Comment: This sequence change replaces serine, which is neutral and polar, with leucine, which is neutral and non-polar, at codon 186 of the CEP164 protein (p.Ser186Leu). This variant is not present in population databases (gnomAD no frequency). This variant has not been reported in the literature in individuals affected with CEP164-related conditions. ClinVar contains an entry for this variant (Variation ID: 963621). An algorithm developed to predict the effect of missense changes on protein structure and function outputs the following: PolyPhen-2: "Benign". The leucine amino acid residue is found in multiple mammalian species, which suggests that this missense change does not adversely affect protein function. In summary, the available evidence is currently insufficient to determine the role of this variant in disease. Therefore, it has been classified as a Variant of Uncertain Significance.